The following is an entry in ClinVar:

NM_001267727.2(ARSG):c.683C>T (p.Thr228Ile)

Genes: ARSG (arylsulfatase G; plus strand), LOC130061524 (ATAC-STARR-seq lymphoblastoid active region 12647; plus strand). Cytogenetic location: 17q24.2.
Variant type: single nucleotide variant.
Coding change: c.683C>T on transcript NM_001267727.2 (MANE Select); coding-DNA position 683, C replaced by T.
Protein change: p.Thr228Ile; replaces threonine 228 with isoleucine.
Molecular consequence: missense variant.
Genome position (GRCh38, 1-based): chr17:68,356,783, C>T. VCF-style: chr17-68356783-C-T. GRCh37 (hg19) VCF-style: chr17-66352924-C-T.
Other names: c.683C>T, p.Thr228Ile (NM_001352899.2, NM_001352900.2, NM_001352901.2 and 8 more transcripts); c.635C>T, p.Thr212Ile (NM_001352909.2); short protein forms T228I, T212I.
Identifiers: ClinVar variation 839136 (VCV000839136.12), dbSNP rs1447180852, ClinGen allele CA400743321.
Genomic context (GRCh38, chr17:68,356,783, plus strand): 5'-ACATTGTGGAGCAGCCGGTGAACTTGAGCAGCCTTGCCCAGAAGTATGCTGAGAAAGCAA[C>T]CCAGTTCATCCAGCGTGCAAGGTGAGGAGTCTCCCTCCCTCCGCAGGGCCTCCCCCTGCC-3'
Protein context (NP_001254656.1, residues 218-238): SLAQKYAEKA[Thr228Ile]QFIQRASTSG

ClinVar aggregate classification (germline): Uncertain significance (1 of 4 stars; one submission).

Submission:

Labcorp Genetics (formerly Invitae), Labcorp
Classification: Uncertain significance. Last evaluated: 2022-02-10. Review status: criteria provided, single submitter. Criteria: Invitae Variant Classification Sherloc (09022015). Collection method: clinical testing. Allele origin: germline.
Comment: ClinVar contains an entry for this variant (Variation ID: 839136). This variant has not been reported in the literature in individuals affected with ARSG-related conditions. This variant is not present in population databases (gnomAD no frequency). This sequence change replaces threonine, which is neutral and polar, with isoleucine, which is neutral and non-polar, at codon 228 of the ARSG protein (p.Thr228Ile). Algorithms developed to predict the effect of missense changes on protein structure and function output the following: SIFT: "Tolerated"; PolyPhen-2: "Benign"; Align-GVGD: "Class C0". The isoleucine amino acid residue is found in multiple mammalian species, which suggests that this missense change does not adversely affect protein function. In summary, the available evidence is currently insufficient to determine the role of this variant in disease. Therefore, it has been classified as a Variant of Uncertain Significance.